The following is an entry in ClinVar:

ClinVar aggregate classification (germline): Pathogenic (1 of 4 stars; one submission).

Conditions:
Dyskeratosis congenita. Identifiers: Orphanet 1775, MedGen C0265965, MONDO:0015780.

Submission:

Labcorp Genetics (formerly Invitae), Labcorp
Classification: Pathogenic for Dyskeratosis congenita. Last evaluated: 2022-12-03. Review status: criteria provided, single submitter. Criteria: Invitae Variant Classification Sherloc (09022015). Collection method: clinical testing. Allele origin: germline.
Comment: This sequence change creates a premature translational stop signal (p.Leu597Cysfs*50) in the CTC1 gene. It is expected to result in an absent or disrupted protein product. Loss-of-function variants in CTC1 are known to be pathogenic (PMID: 22267198, 22387016). This variant is not present in population databases (gnomAD no frequency). For these reasons, this variant has been classified as Pathogenic. This premature translational stop signal has been observed in individual(s) with bone marrow failure (PMID: 29146883).

Literature cited by the submitters: PubMed 22267198; PubMed 22387016; PubMed 29146883.

NM_025099.6(CTC1):c.1788_1791del (p.Leu597fs)

Gene: CTC1 (CST telomere replication complex component 1; minus strand). Cytogenetic location: 17p13.1.
Variant type: Microsatellite.
Coding change: c.1788_1791del on transcript NM_025099.6 (MANE Select); coding-DNA positions 1788 to 1791, 4 bases deleted (TCTG; older notation c.1788_1791delTCTG).
Protein change: p.Leu597fs; shifts the reading frame from leucine 597.
Molecular consequence: frameshift variant. On other transcripts: non-coding transcript variant (1).
Genome position (GRCh38, 1-based): chr17:8,234,482-8,234,485, CAGA deleted on the plus strand (TCTG on the coding strand, the reverse complement: CTC1 is on the minus strand); deleting any 4 consecutive bases within chr17:8,234,482-8,234,489 gives the same sequence; the c. name uses the placement nearest the transcript's 3' end. VCF-style (leftmost placement, unchanged base first): chr17-8234481-GCAGA-G. GRCh37 (hg19) VCF-style: chr17-8137799-GCAGA-G.
Other names: c.1788_1791del, p.Leu597fs (NM_001411067.1); short protein forms L597fs.
Identifiers: ClinVar variation 2910412 (VCV002910412.3), dbSNP rs2507917110, ClinGen allele CA2695224332.
Genomic context (GRCh38, chr17:8,234,481, plus strand): 5'-GAAATCACCTGAGCCCTGCTAGGGTCCCCCTTACCTGGGCTGGGCAGAAGGCAGAGGGCA[GCAGA>G]CAGAGCCAGGACCAAGCCAGGCGGCGATTGAGTTGGCAGCTGGGCAGGTAGGAGGCCTCC-3'